The following is an entry in ClinVar:

NM_015557.3(CHD5):c.3802C>T (p.Arg1268Trp)

Gene: CHD5 (chromodomain helicase DNA binding protein 5; minus strand). Cytogenetic location: 1p36.31.
Variant type: single nucleotide variant.
Coding change: c.3802C>T on transcript NM_015557.3 (MANE Select); coding-DNA position 3802, C replaced by T.
Protein change: p.Arg1268Trp; replaces arginine 1268 with tryptophan.
Molecular consequence: missense variant.
Genome position (GRCh38, 1-based): chr1:6,128,147, G>A on the plus strand (C>T on the coding strand, the complement: CHD5 is on the minus strand). VCF-style: chr1-6128147-G-A. GRCh37 (hg19) VCF-style: chr1-6188207-G-A.
Other names: c.3802C>T (NM_015557.2); short protein forms R1268W.
Identifiers: ClinVar variation 4822672 (VCV004822672.5).

ClinVar aggregate classification (germline): Uncertain significance. Review status: criteria provided, multiple submitters, no conflicts (2 of 4 stars). 2 submissions from 2 submitters: Uncertain significance (2). Last evaluated 2026-09-01.

Conditions:
Inborn genetic diseases. Identifiers: MedGen C0950123, MeSH D030342.

gnomAD v4.1: 4 of 1,614,146 alleles (0.00025%); highest among the groups gnomAD compares: Non-Finnish European, 0.00034%; no homozygotes.

Submissions (2):

Ambry Genetics
Classification: Uncertain significance for Inborn genetic diseases. Last evaluated: 2026-09-01. Review status: criteria provided, single submitter. Criteria: Ambry Variant Classification Scheme 2023. Collection method: clinical testing. Allele origin: germline.

CeGaT Center for Human Genetics Tuebingen
Classification: Uncertain significance. Last evaluated: 2026-02-01. Review status: criteria provided, single submitter. Criteria: CeGaT Center For Human Genetics Tuebingen Variant Classification Criteria Version 2. Collection method: clinical testing. Allele origin: germline. Affected: yes. Observed: 1 variant allele.
Comment: CHD5: PP2, PP3